The following is an entry in ClinVar:

NM_000022.4(ADA):c.*4C>T

Gene: ADA (adenosine deaminase; minus strand). Cytogenetic location: 20q13.12.
Variant type: single nucleotide variant.
Coding change: c.*4C>T on transcript NM_000022.4 (MANE Select); 4 bases downstream of the stop codon, C replaced by T.
Molecular consequence: 3 prime UTR variant. On other transcripts: non-coding transcript variant (1).
Genome position (GRCh38, 1-based): chr20:44,619,830, G>A on the plus strand (C>T on the coding strand, the complement: ADA is on the minus strand). VCF-style: chr20-44619830-G-A. GRCh37 (hg19) VCF-style: chr20-43248471-G-A.
Other names: c.*4C>T (NM_001322050.2, NM_001322051.2).
Identifiers: ClinVar variation 895612 (VCV000895612.5), dbSNP rs183914222, ClinGen allele CA9871394.

ClinVar aggregate classification (germline): Likely benign. Review status: criteria provided, multiple submitters, no conflicts (2 of 4 stars). 2 submissions from 2 submitters: Likely benign (2). Last evaluated 2024-11-11.

Conditions:
Severe combined immunodeficiency, autosomal recessive, T cell-negative, B cell-negative, NK cell-negative, due to adenosine deaminase deficiency. Also called: ADA deficiency; Adenosine deaminase deficient severe combined immunodeficiency; Severe combined immunodeficiency due to ADA deficiency; ADA-SCID; SCID DUE TO ADA DEFICIENCY; SCID DUE TO ADA DEFICIENCY, EARLY-ONSET. Identifiers: Orphanet 277, MedGen C0392607, MONDO:0007064, OMIM 102700.

Allele frequency attached by ClinVar (database versions not stated): ESP Exome Variant Server 0.00008; TOPMed 0.00008; 1000 Genomes Project 30x 0.00031; 1000 Genomes Project 0.00040; gnomAD exomes 0.00048 and 0.00100; gnomAD 0.00085 and 0.00090; ExAC 0.00118.
gnomAD v4.1: 843 of 1,614,148 alleles (0.052%); highest among the groups gnomAD compares: South Asian, 0.041%; 4 homozygotes.

Submissions (2):

Blueprint Genetics
Classification: Likely benign. Last evaluated: 2024-11-11. Review status: criteria provided, single submitter. Criteria: ACMG Guidelines, 2015. Collection method: clinical testing. Allele origin: germline.

Illumina Laboratory Services, Illumina
Classification: Likely benign for Severe combined immunodeficiency, autosomal recessive, T cell-negative, B cell-negative, NK cell-negative, due to adenosine deaminase deficiency. Last evaluated: 2017-04-27. Review status: criteria provided, single submitter. Criteria: ICSL Variant Classification Criteria 13 December 2019. Collection method: clinical testing. Allele origin: germline.
Comment: This variant was observed as part of a predisposition screen in an ostensibly healthy population. A literature search was performed for the gene, cDNA change, and amino acid change (where applicable). No publications were found based on this search. Allele frequency data from public databases allowed determination this variant is unlikely to cause disease. Therefore, this variant is classified as likely benign.